The following is an entry in ClinVar:

NM_005359.6(SMAD4):c.838T>G (p.Leu280Val)

Gene: SMAD4 (SMAD family member 4; plus strand). Cytogenetic location: 18q21.2.
Variant type: single nucleotide variant.
Coding change: c.838T>G on transcript NM_005359.6 (MANE Select); coding-DNA position 838, T replaced by G.
Protein change: p.Leu280Val; replaces leucine 280 with valine.
Molecular consequence: missense variant.
Genome position (GRCh38, 1-based): chr18:51,058,390, T>G. VCF-style: chr18-51058390-T-G. GRCh37 (hg19) VCF-style: chr18-48584760-T-G.
Other names: short protein forms L280V.
Identifiers: ClinVar variation 921808 (VCV000921808.4), dbSNP rs1909901968, ClinGen allele CA402463456.

ClinVar aggregate classification (germline): Uncertain significance (1 of 4 stars; one submission).

Conditions:
Hereditary cancer-predisposing syndrome. Also called: Neoplastic Syndromes, Hereditary; Tumor predisposition; Hereditary Cancer Syndrome; Hereditary neoplastic syndrome. Identifiers: Orphanet 140162, MedGen C0027672, MeSH D009386, MONDO:0015356.

Submission:

Color Diagnostics, LLC DBA Color Health
Classification: Uncertain significance for Hereditary cancer-predisposing syndrome. Last evaluated: 2023-12-05. Review status: criteria provided, single submitter. Criteria: ACMG Guidelines, 2015. Collection method: clinical testing. Allele origin: germline.
Comment: This missense variant replaces leucine with valine at codon 280 of the SMAD4 protein. Computational prediction suggests that this variant may not impact protein structure and function (internally defined REVEL score threshold <= 0.5, PMID: 27666373). To our knowledge, functional studies have not been reported for this variant. This variant has not been reported in individuals affected with SMAD4-related disorders in the literature. This variant has not been identified in the general population by the Genome Aggregation Database (gnomAD). The available evidence is insufficient to determine the role of this variant in disease conclusively. Therefore, this variant is classified as a Variant of Uncertain Significance.